The following is an entry in ClinVar:

NM_001364905.1(LRBA):c.2734T>C (p.Trp912Arg)

Gene: LRBA (LPS responsive beige-like anchor protein; minus strand). Cytogenetic location: 4q31.3.
Variant type: single nucleotide variant.
Coding change: c.2734T>C on transcript NM_001364905.1 (MANE Select); coding-DNA position 2734, T replaced by C.
Protein change: p.Trp912Arg; replaces tryptophan 912 with arginine.
Molecular consequence: missense variant.
Genome position (GRCh38, 1-based): chr4:150,867,703, A>G on the plus strand (T>C on the coding strand, the complement: LRBA is on the minus strand). VCF-style: chr4-150867703-A-G. GRCh37 (hg19) VCF-style: chr4-151788855-A-G.
Other names: c.2734T>C, p.Trp912Arg (NM_001199282.3, NM_001367550.1, NM_006726.5); short protein forms W912R.
Identifiers: ClinVar variation 1002480 (VCV001002480.8), dbSNP rs1752902695, ClinGen allele CA358463944.

ClinVar aggregate classification (germline): Uncertain significance (1 of 4 stars; one submission).

Conditions:
Combined immunodeficiency due to LRBA deficiency. Also called: Common variable immunodeficiency 8, with autoimmunity. Identifiers: Orphanet 445018, MedGen C3553512, MONDO:0013863, OMIM 614700.

Submission:

Labcorp Genetics (formerly Invitae), Labcorp
Classification: Uncertain significance for Combined immunodeficiency due to LRBA deficiency. Last evaluated: 2020-03-09. Review status: criteria provided, single submitter. Criteria: Invitae Variant Classification Sherloc (09022015). Collection method: clinical testing. Allele origin: germline.
Comment: In summary, the available evidence is currently insufficient to determine the role of this variant in disease. Therefore, it has been classified as a Variant of Uncertain Significance. Algorithms developed to predict the effect of missense changes on protein structure and function are either unavailable or do not agree on the potential impact of this missense change (SIFT: "Deleterious"; PolyPhen-2: "Probably Damaging"; Align-GVGD: "Class C0"). This variant has not been reported in the literature in individuals with LRBA-related conditions. This variant is not present in population databases (ExAC no frequency). This sequence change replaces tryptophan with arginine at codon 912 of the LRBA protein (p.Trp912Arg). The tryptophan residue is moderately conserved and there is a moderate physicochemical difference between tryptophan and arginine.